The following is an entry in ClinVar:

NM_006767.4(LZTR1):c.320+5del

Gene: LZTR1 (leucine zipper like post translational regulator 1; plus strand). Cytogenetic location: 22q11.21.
Variant type: Deletion.
Coding change: c.320+5del on transcript NM_006767.4 (MANE Select); 5 bases into the intron after coding-DNA position 320, one base deleted (G; older notation c.320+5delG).
Molecular consequence: intron variant.
Genome position (GRCh38, 1-based): chr22:20,985,902, G deleted; the last of 3 consecutive G bases (chr22:20,985,900-20,985,902); deleting any one gives the same sequence. VCF-style (leftmost placement, unchanged base first): chr22-20985899-TG-T. GRCh37 (hg19) VCF-style: chr22-21340188-TG-T.
Other names: c.320+5delG (NM_006767.3).
Identifiers: ClinVar variation 856380 (VCV000856380.12), dbSNP rs1924365049, ClinGen allele CA916083784.

ClinVar aggregate classification (germline): Conflicting classifications of pathogenicity. Review status: criteria provided, conflicting classifications (1 of 4 stars). 3 submissions from 3 submitters: Likely pathogenic (1); Uncertain significance (2). Last evaluated 2025-11-15.

Conditions:
Hereditary cancer-predisposing syndrome. Also called: Tumor predisposition; Hereditary neoplastic syndrome; Neoplastic Syndromes, Hereditary; Hereditary Cancer Syndrome. Identifiers: Orphanet 140162, MedGen C0027672, MeSH D009386, MONDO:0015356.
Cardiovascular phenotype. Identifiers: MedGen CN230736.

Submissions (3):

Labcorp Genetics (formerly Invitae), Labcorp
Classification: Uncertain significance. Last evaluated: 2025-11-15. Review status: criteria provided, single submitter. Criteria: Invitae Variant Classification Sherloc (09022015). Collection method: clinical testing. Allele origin: germline.
Comment: This sequence change falls in intron 3 of the LZTR1 gene. It does not directly change the encoded amino acid sequence of the LZTR1 protein. It affects a nucleotide within the consensus splice site. This variant is not present in population databases (gnomAD no frequency). This variant has not been reported in the literature in individuals affected with LZTR1-related conditions. ClinVar contains an entry for this variant (Variation ID: 856380). Variants that disrupt the consensus splice site are a relatively common cause of aberrant splicing (PMID: 17576681, 9536098). Algorithms developed to predict the effect of sequence changes on RNA splicing suggest that this variant may disrupt the consensus splice site. In summary, the available evidence is currently insufficient to determine the role of this variant in disease. Therefore, it has been classified as a Variant of Uncertain Significance.

Ambry Genetics
Classification: Likely pathogenic for Cardiovascular phenotype; Hereditary cancer-predisposing syndrome. Last evaluated: 2025-08-15. Review status: criteria provided, single submitter. Criteria: Ambry Variant Classification Scheme 2023. Collection method: clinical testing. Allele origin: germline.
Comment: The c.320+5delG intronic variant, located in intron 3 of the LZTR1 gene, results from a deletion of one nucleotide within intron 3 of the LZTR1 gene. This alteration has been observed in at least one individual with schwannomas (Ambry internal data). This variant is considered to be rare based on population cohorts in the Genome Aggregation Database (gnomAD). This nucleotide position is highly conserved in available vertebrate species. In silico splice site analysis predicts that this alteration will weaken the native splice donor site. RNA studies have demonstrated that this alteration results in abnormal splicing in the set of samples tested (Ambry internal data). Loss-of-function variants in LZTR1 are related to an increased risk for schwannomas and autosomal recessive Noonan syndrome; however, such associations with autosomal dominant Noonan syndrome have not been observed (Piotrowski A et al. Nat Genet. 2014 Feb;46:182-7; Yamamoto GL et al. J Med Genet. 2015 Jun;52:413-21; Johnston JJ et al. Genet Med. 2018 10;20:1175-1185). Based on the supporting evidence, this variant is likely pathogenic for an increased risk of LZTR1-related schwannomatosis (SWN) and would be expected to cause autosomal recessive Noonan syndrome when present along with a second pathogenic or likely pathogenic variant on the other allele; however, the association of this alteration with autosomal dominant Noonan syndrome is unlikely.

GeneDx
Classification: Uncertain significance. Last evaluated: 2023-07-28. Review status: criteria provided, single submitter. Criteria: GeneDx Variant Classification Process June 2021. Collection method: clinical testing. Allele origin: germline. Affected: yes.
Comment: Not observed at significant frequency in large population cohorts (gnomAD); Intronic +5 splice site variant in a gene for which loss of function is a known mechanism of disease, and both splice predictors and evolutionary conservation support a deleterious effect, although in the absence of functional evidence the actual effect of this sequence change is unknown.; Has not been previously published as pathogenic or benign to our knowledge

Literature cited by the submitters: PubMed 17576681 (cited by Labcorp Genetics (formerly Invitae), Labcorp); PubMed 9536098 (cited by Labcorp Genetics (formerly Invitae), Labcorp).